The following is an entry in ClinVar:

NM_001103.4(ACTN2):c.1814A>G (p.Asp605Gly)

Gene: ACTN2 (actinin alpha 2; plus strand). Cytogenetic location: 1q43.
Variant type: single nucleotide variant.
Coding change: c.1814A>G on transcript NM_001103.4 (MANE Select); coding-DNA position 1814, A replaced by G.
Protein change: p.Asp605Gly; replaces aspartic acid 605 with glycine.
Molecular consequence: missense variant.
Genome position (GRCh38, 1-based): chr1:236,751,627, A>G. VCF-style: chr1-236751627-A-G. GRCh37 (hg19) VCF-style: chr1-236914927-A-G.
Other names: c.1814A>G, p.Asp605Gly (NM_001278343.2); c.1190A>G, p.Asp397Gly (NM_001278344.2); short protein forms D605G, D397G.
Identifiers: ClinVar variation 943616 (VCV000943616.10), dbSNP rs1659399290, ClinGen allele CA345386379.

ClinVar aggregate classification (germline): Uncertain significance (1 of 4 stars; one submission).

Conditions:
Dilated cardiomyopathy 1AA (CMD1AA). Also called: CARDIOMYOPATHY, DILATED, 1AA, WITH OR WITHOUT LEFT VENTRICULAR NONCOMPACTION; CARDIOMYOPATHY, FAMILIAL HYPERTROPHIC, 23, WITH OR WITHOUT LEFT VENTRICULAR NONCOMPACTION; Cardiomyopathy, dilated, 1AA, with or without LVNC. Identifiers: Orphanet 154, MedGen C2677338, MONDO:0012808, OMIM 612158.
Primary familial hypertrophic cardiomyopathy (HCM). Identifiers: Orphanet 99739, MedGen C0949658, MeSH D024741, MONDO:0024573. Inheritance: Various modes of inheritance.

Allele frequency attached by ClinVar (database versions not stated): gnomAD exomes 0.00001.
gnomAD v4.1: 8 of 1,613,924 alleles (0.0005%); highest among the groups gnomAD compares: Non-Finnish European, 0.00068%; no homozygotes.

Submission:

Labcorp Genetics (formerly Invitae), Labcorp
Classification: Uncertain significance for Primary familial hypertrophic cardiomyopathy; Dilated cardiomyopathy 1AA. Last evaluated: 2023-06-16. Review status: criteria provided, single submitter. Criteria: Invitae Variant Classification Sherloc (09022015). Collection method: clinical testing. Allele origin: germline.
Comment: This variant is not present in population databases (gnomAD no frequency). This sequence change replaces aspartic acid, which is acidic and polar, with glycine, which is neutral and non-polar, at codon 605 of the ACTN2 protein (p.Asp605Gly). This variant has not been reported in the literature in individuals affected with ACTN2-related conditions. In summary, the available evidence is currently insufficient to determine the role of this variant in disease. Therefore, it has been classified as a Variant of Uncertain Significance. Algorithms developed to predict the effect of sequence changes on RNA splicing suggest that this variant may create or strengthen a splice site. Advanced modeling of protein sequence and biophysical properties (such as structural, functional, and spatial information, amino acid conservation, physicochemical variation, residue mobility, and thermodynamic stability) performed at Invitae indicates that this missense variant is not expected to disrupt ACTN2 protein function. ClinVar contains an entry for this variant (Variation ID: 943616).